The following is an entry in ClinVar:

ClinVar aggregate classification (germline): Uncertain significance (1 of 4 stars; one submission).

Submission:

Labcorp Genetics (formerly Invitae), Labcorp
Classification: Uncertain significance. Last evaluated: 2021-02-14. Review status: criteria provided, single submitter. Criteria: Invitae Variant Classification Sherloc (09022015). Collection method: clinical testing. Allele origin: germline.
Comment: This sequence change replaces lysine with threonine at codon 329 of the SIAE protein (p.Lys329Thr). The lysine residue is weakly conserved and there is a moderate physicochemical difference between lysine and threonine. This variant is not present in population databases (ExAC no frequency). This variant has not been reported in the literature in individuals with SIAE-related conditions. Algorithms developed to predict the effect of missense changes on protein structure and function output the following: SIFT: "Tolerated"; PolyPhen-2: "Benign"; Align-GVGD: "Class C0". The threonine amino acid residue is found in multiple mammalian species, suggesting that this missense change does not adversely affect protein function. These predictions have not been confirmed by published functional studies and their clinical significance is uncertain. In summary, the available evidence is currently insufficient to determine the role of this variant in disease. Therefore, it has been classified as a Variant of Uncertain Significance.

NM_170601.5(SIAE):c.986A>C (p.Lys329Thr)

Gene: SIAE (sialic acid acetylesterase; minus strand). Cytogenetic location: 11q24.2.
Variant type: single nucleotide variant.
Coding change: c.986A>C on transcript NM_170601.5 (MANE Select); coding-DNA position 986, A replaced by C.
Protein change: p.Lys329Thr; replaces lysine 329 with threonine.
Molecular consequence: missense variant.
Genome position (GRCh38, 1-based): chr11:124,639,848, T>G on the plus strand (A>C on the coding strand, the complement: SIAE is on the minus strand). VCF-style: chr11-124639848-T-G. GRCh37 (hg19) VCF-style: chr11-124509744-T-G.
Other names: c.881A>C, p.Lys294Thr (NM_001199922.2); short protein forms K294T, K329T.
Identifiers: ClinVar variation 1495441 (VCV001495441.8), dbSNP rs778105758, ClinGen allele CA383146106.